The following is an entry in ClinVar:

ClinVar aggregate classification (germline): Conflicting classifications of pathogenicity. Review status: criteria provided, conflicting classifications (1 of 4 stars). 9 submissions from 9 submitters: Likely pathogenic (1); Uncertain significance (7); Likely benign (1). Last evaluated 2026-01-20.

Conditions:
Autoinflammatory syndrome. Identifiers: Orphanet 93665, MedGen C3890737, MONDO:0019751.
Inborn genetic diseases. Identifiers: MedGen C0950123, MeSH D030342.
Lysinuric protein intolerance (LPI). Identifiers: Orphanet 470, MedGen C0268647, MONDO:0009109, OMIM 222700.

Allele frequency attached by ClinVar (database versions not stated): gnomAD 0.00010 and 0.00011; TOPMed 0.00011; ESP Exome Variant Server 0.00023.
gnomAD v4.1: 162 of 1,613,494 alleles (0.01%); highest among the groups gnomAD compares: Non-Finnish European, 0.006%; no homozygotes.

Submissions (9):

Labcorp Genetics (formerly Invitae), Labcorp
Classification: Likely benign for Lysinuric protein intolerance. Last evaluated: 2026-01-20. Review status: criteria provided, single submitter. Criteria: Invitae Variant Classification Sherloc (09022015). Collection method: clinical testing. Allele origin: germline.

Fulgent Genetics
Classification: Uncertain significance for Lysinuric protein intolerance. Last evaluated: 2024-06-07. Review status: criteria provided, single submitter. Criteria: ACMG Guidelines, 2015. Collection method: clinical testing. Allele origin: germline.

Department of Pathology and Laboratory Medicine, Sinai Health System
Classification: Uncertain significance for Lysinuric protein intolerance. Last evaluated: 2023-04-06. Review status: criteria provided, single submitter. Criteria: ACMG Guidelines, 2015. Collection method: research. Allele origin: germline.

Ambry Genetics
Classification: Uncertain significance for Inborn genetic diseases. Last evaluated: 2022-06-21. Review status: criteria provided, single submitter. Criteria: Ambry Variant Classification Scheme 2023. Collection method: clinical testing. Allele origin: germline.

Genome-Nilou Lab
Classification: Uncertain significance for Lysinuric protein intolerance. Last evaluated: 2021-11-07. Review status: criteria provided, single submitter. Criteria: ACMG Guidelines, 2015. Collection method: clinical testing. Allele origin: germline. Affected: no.

Women's Health and Genetics/Laboratory Corporation of America, LabCorp
Classification: Uncertain significance. Last evaluated: 2021-10-14. Review status: criteria provided, single submitter. Criteria: LabCorp Variant Classification Summary - May 2015. Collection method: clinical testing. Allele origin: germline.
Comment: Variant summary: SLC7A7 c.475C>T (p.Arg159Cys) results in a non-conservative amino acid change in the encoded protein sequence. Five of five in-silico tools predict a damaging effect of the variant on protein function. The variant allele was found at a frequency of 0.00011 in 248354 control chromosomes. This frequency is not significantly higher than expected for a pathogenic variant in SLC7A7 causing Lysinuric Protein Intolerance (0.00011 vs 0.0011), allowing no conclusion about variant significance. c.475C>T has been reported in the literature in an individual with early-onset systemic lupus erythematosus (SLE), including renal involvement, in whom an Lysinuric Protein Intolerance diagnosis was suspected post-mortem based on exome sequencing analysis, however, further analysis could not be performed (Contreras_2021). Additionally, the variation was reported to be enriched in the AJ population in comparison to reference populations in ExAC, which has a higher documented prevalence of Crohn's Disease. These reports do not provide unequivocal conclusions about association of the variant with Lysinuric Protein Intolerance. To our knowledge, no experimental evidence demonstrating an impact on protein function has been reported. Two clinical diagnostic laboratories have submitted clinical-significance assessments for this variant to ClinVar after 2014 without evidence for independent evaluation. One laboratory classified the variant as likely benign, and one laboratory classified the variant as uncertain significance. Based on the evidence outlined above, the variant was classified as uncertain significance.

Genome Diagnostics Laboratory, The Hospital for Sick Children
Classification: Uncertain significance for Autoinflammatory syndrome. Last evaluated: 2019-06-01. Review status: criteria provided, single submitter. Criteria: ACMG Guidelines, 2015. Collection method: clinical testing. Allele origin: germline. Affected: yes.

Illumina Laboratory Services, Illumina
Classification: Uncertain significance for Lysinuric protein intolerance. Last evaluated: 2018-01-12. Review status: criteria provided, single submitter. Criteria: ICSL Variant Classification Criteria 13 December 2019. Collection method: clinical testing. Allele origin: germline.

GeneDx
Classification: Likely pathogenic. Last evaluated: 2014-03-03. Review status: criteria provided, single submitter. Criteria: GeneDx Variant Classification (06012015). Collection method: clinical testing. Allele origin: germline. Affected: yes.
Comment: p.Arg159Cys (CGC>TGC): c.475 C>T in exon 3 of the SLC7A7 gene (NM_001126106.2). A R159C variant that is likely pathogenic was identified in the SLC7A7 gene. It has not been published as a mutation, nor has it been reported as a benign polymorphism to our knowledge. The R159C variant is a non-conservative amino acid substitution, which is likely to impact secondary protein structure as these residues differ in polarity, charge, size and/or other properties. This substitution occurs at a position that is conserved across species. In silico analysis predicts this variant is probably damaging to the protein structure/function. A missense mutation in a nearby residue (F152L) has been reported in association with lysinuric protein intolerance, supporting the functional importance of this region of the protein. Therefore, this variant is a strong candidate for a pathogenic mutation, however the possibility that it is a benign variant cannot be excluded. Exon-level deletions of the SLC7A7 gene are a common cause of lysinuric protein intolerance in non-Finnish populations, likely due to recombination between Alu repeat elements (Font-LLitjos et al., 2009). Mutations in the SLC7A7 gene are associated with the autosomal recessive disorder lysinuric protein intolerance. The variant is found in UCD-MET panel(s).

Literature cited by the submitters: PubMed 34095032 (cited by Ambry Genetics and Women's Health and Genetics/Laboratory Corporation of America, LabCorp); PubMed 29795570 (cited by Women's Health and Genetics/Laboratory Corporation of America, LabCorp).

NM_003982.4(SLC7A7):c.475C>T (p.Arg159Cys)

Gene: SLC7A7 (solute carrier family 7 member 7; minus strand). Cytogenetic location: 14q11.2.
Variant type: single nucleotide variant.
Coding change: c.475C>T on transcript NM_003982.4 (MANE Select); coding-DNA position 475, C replaced by T.
Protein change: p.Arg159Cys; replaces arginine 159 with cysteine.
Molecular consequence: missense variant.
Genome position (GRCh38, 1-based): chr14:22,812,924, G>A on the plus strand (C>T on the coding strand, the complement: SLC7A7 is on the minus strand). VCF-style: chr14-22812924-G-A. GRCh37 (hg19) VCF-style: chr14-23282133-G-A.
Other names: p.R159C:CGC>TGC; c.475C>T, p.Arg159Cys (NM_001126105.3, NM_001126106.4); short protein forms R159C.
Identifiers: ClinVar variation 203944 (VCV000203944.25), dbSNP rs11568437, ClinGen allele CA312994.